The following is an entry in ClinVar:

ClinVar aggregate classification (germline): Likely pathogenic (1 of 4 stars; one submission).

Conditions:
Primary ciliary dyskinesia. Also called: Ciliary dyskinesia. Identifiers: Orphanet 244, MedGen C0008780, MONDO:0016575, HP:0012265.

Submission:

Natera, Inc.
Classification: Likely pathogenic for Primary ciliary dyskinesia. Last evaluated: 2025-03-31. Review status: criteria provided, single submitter. Criteria: Natera Variant Classification Schema (03/2026). Collection method: clinical testing. Allele origin: germline.
Comment: The c.935del variant in DNAH5 is a frameshift variant predicted to shift the reading frame beginning at codon 312 and leads to a stop codon 13 codons downstream. This variant is expected to result in nonsense mediated decay, truncation, or a dysfunctional protein product. This variant is rare in the general population with a frequency below the threshold expected for the associated phenotype(s). Given the available evidence, this variant is classified as Likely Pathogenic.

NM_001369.3(DNAH5):c.935del (p.Val312fs)

Gene: DNAH5 (dynein axonemal heavy chain 5; minus strand). Cytogenetic location: 5p15.2.
Variant type: Deletion.
Coding change: c.935del on transcript NM_001369.3 (MANE Select); coding-DNA position 935, one base deleted (T; older notation c.935delT).
Protein change: p.Val312fs; shifts the reading frame from valine 312.
Molecular consequence: frameshift variant.
Genome position (GRCh38, 1-based): chr5:13,919,216, A deleted on the plus strand (T on the coding strand, the reverse complement: DNAH5 is on the minus strand). VCF-style (leftmost placement, unchanged base first): chr5-13919215-CA-C. GRCh37 (hg19) VCF-style: chr5-13919324-CA-C.
Other names: short protein forms V312fs.
Identifiers: ClinVar variation 4066701 (VCV004066701.2).